The following is an entry in ClinVar:

ClinVar aggregate classification (germline): Pathogenic (1 of 4 stars; one submission).

Conditions:
Fabry disease. Also called: ALPHA-GALACTOSIDASE A DEFICIENCY; ANDERSON-FABRY DISEASE; CERAMIDE TRIHEXOSIDASE DEFICIENCY; GLA DEFICIENCY; HEREDITARY DYSTOPIC LIPIDOSIS; Angiokeratoma corporis diffusum. Identifiers: Orphanet 324, MedGen C0002986, MONDO:0010526, OMIM 301500, HP:0001071. Disease mechanism: Fabry disease is due to inactivating mutations in the X-linked GLA gene resulting in deficiency of the enzyme Alpha Galactosidase-A., loss of function.

Submission:

Genomenon, Inc
Classification: Pathogenic for Fabry disease. Last evaluated: 2026-09-08. Review status: criteria provided, single submitter. Criteria: Genomenon Sequence Variant Interpretation Standards - Updated. Collection method: curation. Allele origin: germline. Affected: yes.
Comment: GLA p.Lys393SerfsTer2 (c.1176del) is a frameshift variant that is predicted to introduce a premature termination codon and result in a truncated or absent protein product. This variant has been observed in at least one proband with clinical features consistent with Fabry disease (PMID:33204599). Functional or patient cell studies have been reported (PMID:33204599). It is absent or not present at a significant frequency in gnomAD. In conclusion, we classify GLA p.Lys393SerfsTer2 (c.1176del) as a pathogenic variant.

Literature cited by the submitters: PubMed 33204599.

NM_000169.3(GLA):c.1176del (p.Lys393fs)

Genes: GLA (galactosidase alpha; minus strand), RPL36A-HNRNPH2 (RPL36A-HNRNPH2 readthrough; plus strand). Cytogenetic location: Xq22.1.
Variant type: Deletion.
Coding change: c.1176del on transcript NM_000169.3 (MANE Select); coding-DNA position 1176, one base deleted (G; older notation c.1176delG).
Protein change: p.Lys393fs; shifts the reading frame from lysine 393.
Molecular consequence: frameshift variant. On other transcripts: non-coding transcript variant (3), intron variant (2).
Genome position (GRCh38, 1-based): chrX:101,397,923, C deleted on the plus strand (G on the coding strand, the reverse complement: GLA is on the minus strand); the first of 2 consecutive C bases (chrX:101,397,923-101,397,924); deleting either gives the same sequence. VCF-style (leftmost placement, unchanged base first): chrX-101397922-TC-T. GRCh37 (hg19) VCF-style: chrX-100652910-TC-T.
Other names: c.1299del, p.Lys434fs (NM_001406747.1); c.300+2467del (NM_001199973.2); c.177+6102del (NM_001199974.2); short protein forms K393fs, K434fs.
Identifiers: ClinVar variation 4087072 (VCV004087072.2).